The following is an entry in ClinVar:

ClinVar aggregate classification (germline): Pathogenic/Likely pathogenic. Review status: criteria provided, multiple submitters, no conflicts (2 of 4 stars). 4 submissions from 4 submitters: Pathogenic (2); Likely pathogenic (2). Last evaluated 2023-05-08.

Conditions:
PKD1-related disorder. Also called: PKD1-related condition.
Polycystic kidney disease, adult type (PKD1). Also called: Polycystic Kidney, Autosomal Dominant; POLYCYSTIC KIDNEY DISEASE 1 WITH OR WITHOUT POLYCYSTIC LIVER DISEASE; POLYCYSTIC KIDNEY DISEASE, ADULT, TYPE I; Polycystic Kidney Disease 1, Autosomal Dominant; Polycystic kidney disease 1; Polycystic kidney disease 1, severe. Identifiers: MedGen C3149841, MONDO:0008263, OMIM 173900.

Submissions (4):

PreventionGenetics, part of Exact Sciences
Classification: Likely pathogenic for PKD1-related condition. Last evaluated: 2023-05-08. Review status: criteria provided, single submitter. Criteria: ACMG Guidelines, 2015. Collection method: clinical testing. Allele origin: germline.
Comment: The PKD1 c.2627_2631dup5 variant is predicted to result in a frameshift and premature protein termination (p.Val878Profs*22). To our knowledge, this variant has not been reported in the literature or in a large population database, indicating this variant is rare. Frameshift variants in PKD1 are expected to be pathogenic. This variant is interpreted as likely pathogenic.

Blueprint Genetics
Classification: Likely pathogenic for PKD1-related disorders. Last evaluated: 2022-02-03. Review status: criteria provided, single submitter. Criteria: ACMG Guidelines, 2015. Collection method: clinical testing. Allele origin: germline. Affected: yes. Observed: 1 variant allele.

Fulgent Genetics
Classification: Pathogenic for Polycystic kidney disease, adult type. Last evaluated: 2021-12-01. Review status: criteria provided, single submitter. Criteria: ACMG Guidelines, 2015. Collection method: clinical testing. Allele origin: unknown.

MVZ Martinsried, Medicover Genetics
Classification: Pathogenic for Polycystic kidney disease, adult type. Last evaluated: 2017-06-07. Review status: criteria provided, single submitter. Criteria: ACMG Guidelines, 2015. Collection method: clinical testing. Allele origin: unknown. Affected: yes.

NM_001009944.3(PKD1):c.2627_2631dup (p.Val878fs)

Gene: PKD1 (polycystin 1, transient receptor potential channel interacting; minus strand). Cytogenetic location: 16p13.3.
Variant type: Microsatellite.
Coding change: c.2627_2631dup on transcript NM_001009944.3 (MANE Select); coding-DNA positions 2627 to 2631, 5 bases duplicated (CCCTG; older notation c.2627_2631dupCCCTG).
Protein change: p.Val878fs; shifts the reading frame from valine 878.
Molecular consequence: frameshift variant.
Genome position (GRCh38, 1-based): chr16:2,114,392-2,114,396, CAGGG duplicated on the plus strand (CCCTG on the coding strand, the reverse complement: PKD1 is on the minus strand); duplicating any 5 consecutive bases within chr16:2,114,392-2,114,404 gives the same sequence; the c. name uses the placement nearest the transcript's 3' end. VCF-style (leftmost placement, unchanged base first): chr16-2114391-C-CCAGGG. GRCh37 (hg19) VCF-style: chr16-2164392-C-CCAGGG.
Other names: c.2627_2631dup, p.Val878fs (NM_000296.4); c.2627_2631dup5 (NM_001009944.2); short protein forms V878fs.
Identifiers: ClinVar variation 448969 (VCV000448969.4), dbSNP rs1555457807, ClinGen allele CA658658385.
Genomic context (GRCh38, chr16:2,114,391, plus strand): 5'-CTACCACTGAGAACAGGGTATCGTTGGTCTCCCAGGGGCAGCCGGGCACGAAGGTGGCCA[C>CCAGGG]CAGGGCAGGGCAGACATTCTCAAAGCGGGCGCTGACACTGCCCCCAGGCCAGCGAGCCGT-3'